The following is an entry in ClinVar:

ClinVar aggregate classification (germline): Pathogenic (1 of 4 stars; one submission).

Conditions:
VPS13A-related neurodegenerative disease. Also called: ACANTHOCYTOSIS WITH NEUROLOGIC DISORDER; LEVINE-CRITCHLEY SYNDROME; Choreoacanthocytosis; Chorea-acanthocytosis; Choreaacanthocytosis; VPS13A Disease. Identifiers: Orphanet 2388, MedGen C0393576, MONDO:0008695, OMIM 200150.

Submission:

Myriad Genetics, Inc.
Classification: Pathogenic for VPS13A-related neurodegenerative disease. Last evaluated: 2023-09-17. Review status: criteria provided, single submitter. Criteria: Myriad Autosomal Dominant, Autosomal Recessive and X-Linked Classification Criteria (2023). Collection method: clinical testing. Allele origin: unknown.
Comment: NM_033305.2(VPS13A):c.6214_6215delCC(P2072Ffs*2) is expected to be pathogenic in the context of VPS13A disease. This variant is predicted to lead to an abnormal or absent protein product due to the creation of a premature termination codon in VPS13A, a gene where loss-of-function variants are known to be pathogenic. Please note: this variant was assessed in the context of healthy population screening.

NM_033305.3(VPS13A):c.6214_6215del (p.Pro2072fs)

Gene: VPS13A (vacuolar protein sorting 13 homolog A; plus strand). Cytogenetic location: 9q21.2.
Variant type: Deletion.
Coding change: c.6214_6215del on transcript NM_033305.3 (MANE Select); coding-DNA positions 6214 to 6215, 2 bases deleted (CC; older notation c.6214_6215delCC).
Protein change: p.Pro2072fs; shifts the reading frame from proline 2072.
Molecular consequence: frameshift variant.
Genome position (GRCh38, 1-based): chr9:77,337,373-77,337,374, CC deleted; deleting any 2 consecutive bases within chr9:77,337,372-77,337,374 gives the same sequence; the c. name uses the placement nearest the transcript's 3' end. VCF-style (leftmost placement, unchanged base first): chr9-77337371-ACC-A. GRCh37 (hg19) VCF-style: chr9-79952287-ACC-A.
Other names: c.6097_6098del, p.Pro2033fs (NM_001018037.2); c.6214_6215del, p.Pro2072fs (NM_001018038.3, NM_015186.4); short protein forms P2033fs, P2072fs.
Identifiers: ClinVar variation 5011685 (VCV005011685.1).